The following is an entry in ClinVar:

ClinVar aggregate classification (germline): Likely pathogenic (1 of 4 stars; one submission).

Conditions:
SOX10-related disorder. Also called: SOX10-related condition.

Submission:

PreventionGenetics, part of Exact Sciences
Classification: Likely pathogenic for SOX10-related condition. Last evaluated: 2025-03-12. Review status: criteria provided, single submitter. Criteria: ACMG Guidelines, 2015. Collection method: clinical testing. Allele origin: germline.
Comment: The SOX10 c.442dupA variant is predicted to result in a frameshift and premature protein termination (p.Ser148Lysfs*2). To our knowledge, this variant has not been reported in the literature or in a large population database (gnomAD), indicating this variant is rare. Frameshift variants in SOX10 are expected to be pathogenic. This variant is interpreted as likely pathogenic.

NM_006941.4(SOX10):c.442dup (p.Ser148fs)

Genes: POLR2F (RNA polymerase II, I and III subunit F; plus strand), SOX10 (SRY-box transcription factor 10; minus strand). Cytogenetic location: 22q13.1.
Variant type: Duplication.
Coding change: c.442dup on transcript NM_006941.4 (MANE Select); coding-DNA position 442, one base duplicated (A; older notation c.442dupA).
Protein change: p.Ser148fs; shifts the reading frame from serine 148.
Molecular consequence: frameshift variant. On other transcripts: intron variant (3).
Genome position (GRCh38, 1-based): chr22:37,978,122, T duplicated on the plus strand (A on the coding strand, the reverse complement: SOX10 is on the minus strand); the first of 3 consecutive T bases (chr22:37,978,122-37,978,124); duplicating any one gives the same sequence. VCF-style (leftmost placement, unchanged base first): chr22-37978121-C-CT. GRCh37 (hg19) VCF-style: chr22-38374128-C-CT.
Other names: c.442dupA (NM_006941.3); c.*38+5814dup (NM_001363825.1); c.294-8030dup (NM_001301130.2); c.293+10954dup (NM_001301131.2); short protein forms S148fs.
Identifiers: ClinVar variation 2633950 (VCV002633950.2), dbSNP rs2518047030, ClinGen allele CA2695199885.